The following is an entry in ClinVar:

ClinVar aggregate classification (germline): Uncertain significance. Review status: criteria provided, multiple submitters, no conflicts (2 of 4 stars). 2 submissions from 2 submitters: Uncertain significance (2). Last evaluated 2023-12-18.

Conditions:
Wilms tumor 1 (WT1). Also called: Wilms tumor, somatic. Identifiers: Orphanet 654, MedGen CN033288, MONDO:0008679, OMIM 194070.
Frasier syndrome. Identifiers: Orphanet 347, MedGen C0950122, MeSH D052159, MONDO:0007635, OMIM 136680.
Drash syndrome (DDS). Also called: NEPHROPATHY, WILMS TUMOR, AND GENITAL ANOMALIES; WILMS TUMOR AND PSEUDO- OR TRUE HERMAPHRODITISM. Identifiers: Orphanet 220, MedGen C0950121, MONDO:0008682, OMIM 194080.
11p partial monosomy syndrome (WAGR). Also called: CHROMOSOME 11p13 DELETION SYNDROME; WAGR syndrome; WAGR Complex; WAGR Spectrum Disorder. Identifiers: Orphanet 893, MedGen C0206115, MONDO:0008681, OMIM 194072.

Submissions (2):

All of Us Research Program, National Institutes of Health
Classification: Uncertain significance for Wilms tumor 1. Last evaluated: 2023-12-18. Review status: criteria provided, single submitter. Criteria: ACMG Guidelines, 2015. Collection method: clinical testing. Allele origin: germline. Inheritance: Autosomal dominant inheritance. Observed: 1 variant allele, 1 heterozygote.
Comment: This missense variant replaces leucine with proline at codon 80 of the WT1 protein. Computational prediction is inconclusive regarding the impact of this variant on protein structure and function. To our knowledge, functional studies have not been reported for this variant. This variant has not been reported in individuals affected with WT1-related disorders in the literature. This variant has not been identified in the general population by the Genome Aggregation Database (gnomAD). The available evidence is insufficient to determine the role of this variant in disease conclusively. Therefore, this variant is classified as a Variant of Uncertain Significance.

This study involves interpretation of variants in research participants for the purpose of population health screening. Participant phenotype was not available at the time of variant classification. Additional details can be found in publication PMID: 35346344, PMCID: PMC8962531

Labcorp Genetics (formerly Invitae), Labcorp
Classification: Uncertain significance for Wilms tumor 1; Drash syndrome; 11p partial monosomy syndrome; Frasier syndrome. Last evaluated: 2023-09-09. Review status: criteria provided, single submitter. Criteria: Invitae Variant Classification Sherloc (09022015). Collection method: clinical testing. Allele origin: germline.
Comment: An algorithm developed to predict the effect of missense changes on protein structure and function (PolyPhen-2) suggests that this variant is likely to be disruptive. This variant has not been reported in the literature in individuals affected with WT1-related conditions. This variant is not present in population databases (gnomAD no frequency). This sequence change replaces leucine, which is neutral and non-polar, with proline, which is neutral and non-polar, at codon 80 of the WT1 protein (p.Leu80Pro). In summary, the available evidence is currently insufficient to determine the role of this variant in disease. Therefore, it has been classified as a Variant of Uncertain Significance.

NM_024426.6(WT1):c.254T>C (p.Leu85Pro)

Genes: WT1 (WT1 transcription factor; minus strand), LOC107982234 (WT1/WT1-AS bi-directional promoter region; plus strand). Cytogenetic location: 11p13.
Variant type: single nucleotide variant.
Coding change: c.254T>C on transcript NM_024426.6 (MANE Select); coding-DNA position 254, T replaced by C.
Protein change: p.Leu85Pro; replaces leucine 85 with proline.
Molecular consequence: missense variant. On other transcripts: non-coding transcript variant (2).
Genome position (GRCh38, 1-based): chr11:32,435,107, A>G on the plus strand (T>C on the coding strand, the complement: WT1 is on the minus strand). VCF-style: chr11-32435107-A-G. GRCh37 (hg19) VCF-style: chr11-32456653-A-G.
Other names: c.254T>C, p.Leu85Pro (NM_000378.6, NM_001407044.1, NM_001407045.1 and 6 more transcripts); c.239T>C, p.Leu80Pro (NM_024425.2); short protein forms L85P, L80P.
Identifiers: ClinVar variation 2951766 (VCV002951766.4), dbSNP rs2494485358, ClinGen allele CA379966062.